The following is an entry in ClinVar:

NM_001330700.2(TOP2B):c.364A>C (p.Asn122His)

Gene: TOP2B (DNA topoisomerase II beta; minus strand). Cytogenetic location: 3p24.2.
Variant type: single nucleotide variant.
Coding change: c.364A>C on transcript NM_001330700.2 (MANE Select); coding-DNA position 364, A replaced by C.
Protein change: p.Asn122His; replaces asparagine 122 with histidine.
Molecular consequence: missense variant.
Genome position (GRCh38, 1-based): chr3:25,642,353, T>G on the plus strand (A>C on the coding strand, the complement: TOP2B is on the minus strand). VCF-style: chr3-25642353-T-G. GRCh37 (hg19) VCF-style: chr3-25683844-T-G.
Other names: c.349A>C, p.Asn117His (NM_001068.3); short protein forms N117H, N122H.
Identifiers: ClinVar variation 1718150 (VCV001718150.5), dbSNP rs2470380859, ClinGen allele CA351913894.

ClinVar aggregate classification (germline): Uncertain significance (1 of 4 stars; one submission).

Submission:

Labcorp Genetics (formerly Invitae), Labcorp
Classification: Uncertain significance. Last evaluated: 2022-08-27. Review status: criteria provided, single submitter. Criteria: Invitae Variant Classification Sherloc (09022015). Collection method: clinical testing. Allele origin: germline.
Comment: In summary, the available evidence is currently insufficient to determine the role of this variant in disease. Therefore, it has been classified as a Variant of Uncertain Significance. Algorithms developed to predict the effect of missense changes on protein structure and function are either unavailable or do not agree on the potential impact of this missense change (SIFT: "Deleterious"; PolyPhen-2: "Benign"; Align-GVGD: "Class C0"). This variant has not been reported in the literature in individuals affected with TOP2B-related conditions. This variant is not present in population databases (gnomAD no frequency). This sequence change replaces asparagine, which is neutral and polar, with histidine, which is basic and polar, at codon 117 of the TOP2B protein (p.Asn117His).